The following is an entry in ClinVar:

ClinVar aggregate classification (germline): Uncertain significance (1 of 4 stars; one submission).

Conditions:
Hereditary breast ovarian cancer syndrome. Also called: Hereditary breast and ovarian cancer syndrome; Hereditary breast and ovarian cancer syndrome (HBOC); Hereditary breast and/or ovarian cancer syndrome; Breast and ovarian cancer; Hereditary breast and ovarian cancer; BRCA1- and BRCA2-Associated Hereditary Breast and Ovarian Cancer. Identifiers: Orphanet 145, MedGen C0677776, MeSH D061325, MONDO:0003582. Disease mechanism: loss of function.

gnomAD v4.1: 4 of 1,614,036 alleles (0.00025%); highest among the groups gnomAD compares: Non-Finnish European, 0.00034%; no homozygotes.

Submission:

Labcorp Genetics (formerly Invitae), Labcorp
Classification: Uncertain significance for Hereditary breast ovarian cancer syndrome. Last evaluated: 2023-01-07. Review status: criteria provided, single submitter. Criteria: Invitae Variant Classification Sherloc (09022015). Collection method: clinical testing. Allele origin: germline.
Comment: In summary, the available evidence is currently insufficient to determine the role of this variant in disease. Therefore, it has been classified as a Variant of Uncertain Significance. Advanced modeling of protein sequence and biophysical properties (such as structural, functional, and spatial information, amino acid conservation, physicochemical variation, residue mobility, and thermodynamic stability) performed at Invitae indicates that this missense variant is not expected to disrupt BRCA2 protein function. This variant has not been reported in the literature in individuals affected with BRCA2-related conditions. This variant is not present in population databases (gnomAD no frequency). This sequence change replaces serine, which is neutral and polar, with alanine, which is neutral and non-polar, at codon 2001 of the BRCA2 protein (p.Ser2001Ala).

NM_000059.4(BRCA2):c.6001T>G (p.Ser2001Ala)

Gene: BRCA2 (BRCA2 DNA repair associated; plus strand). Cytogenetic location: 13q13.1.
Variant type: single nucleotide variant.
Coding change: c.6001T>G on transcript NM_000059.4 (MANE Select); coding-DNA position 6001, T replaced by G.
Protein change: p.Ser2001Ala; replaces serine 2001 with alanine.
Molecular consequence: missense variant. On other transcripts: non-coding transcript variant (1), intron variant (2).
Genome position (GRCh38, 1-based): chr13:32,340,356, T>G. VCF-style: chr13-32340356-T-G. GRCh37 (hg19) VCF-style: chr13-32914493-T-G.
Other names: c.6001T>G, p.Ser2001Ala (NM_001406719.1, NM_001406720.1); c.1910-4202T>G (NM_001406721.1); c.425-4202T>G (NM_001406722.1); short protein forms S2001A.
Identifiers: ClinVar variation 2790508 (VCV002790508.3), dbSNP rs939633265, ClinGen allele CA247512238.
Genomic context (GRCh38, chr13:32,340,356, plus strand): 5'-GCAAGTGGAAAATCTGTCCAGGTATCAGATGCTTCATTACAAAACGCAAGACAAGTGTTT[T>G]CTGAAATAGAAGATAGTACCAAGCAAGTCTTTTCCAAAGTATTGTTTAAAAGTAACGAAC-3'
Protein context (NP_000050.3, residues 1991-2011): ASLQNARQVF[Ser2001Ala]EIEDSTKQVF